The following is an entry in ClinVar:

ClinVar aggregate classification (germline): Uncertain significance (1 of 4 stars; one submission).

Conditions:
Bardet-Biedl syndrome (BBS). Identifiers: Orphanet 110, MedGen C0752166, MONDO:0015229.

Submission:

Labcorp Genetics (formerly Invitae), Labcorp
Classification: Uncertain significance for Bardet-Biedl syndrome. Last evaluated: 2022-07-12. Review status: criteria provided, single submitter. Criteria: Invitae Variant Classification Sherloc (09022015). Collection method: clinical testing. Allele origin: germline.
Comment: This sequence change replaces leucine, which is neutral and non-polar, with arginine, which is basic and polar, at codon 85 of the BBS1 protein (p.Leu85Arg). This variant is not present in population databases (gnomAD no frequency). This variant has not been reported in the literature in individuals affected with BBS1-related conditions. Algorithms developed to predict the effect of missense changes on protein structure and function (SIFT, PolyPhen-2, Align-GVGD) all suggest that this variant is likely to be disruptive. Algorithms developed to predict the effect of sequence changes on RNA splicing suggest that this variant may disrupt the consensus splice site. In summary, the available evidence is currently insufficient to determine the role of this variant in disease. Therefore, it has been classified as a Variant of Uncertain Significance.

NM_024649.5(BBS1):c.254T>G (p.Leu85Arg)

Gene: BBS1 (Bardet-Biedl syndrome 1; plus strand). Cytogenetic location: 11q13.2.
Variant type: single nucleotide variant.
Coding change: c.254T>G on transcript NM_024649.5 (MANE Select); coding-DNA position 254, T replaced by G.
Protein change: p.Leu85Arg; replaces leucine 85 with arginine.
Molecular consequence: missense variant.
Genome position (GRCh38, 1-based): chr11:66,514,500, T>G. VCF-style: chr11-66514500-T-G. GRCh37 (hg19) VCF-style: chr11-66281971-T-G.
Other names: short protein forms L85R.
Identifiers: ClinVar variation 2050193 (VCV002050193.4), dbSNP rs2495736394, ClinGen allele CA381456231.